The following is an entry in ClinVar:

ClinVar aggregate classification (germline): Uncertain significance (1 of 4 stars; one submission).

Submission:

GeneDx
Classification: Uncertain significance. Last evaluated: 2024-07-27. Review status: criteria provided, single submitter. Criteria: GeneDx Variant Classification Process June 2021. Collection method: clinical testing. Allele origin: germline. Affected: yes.
Comment: Not observed at significant frequency in large population cohorts (gnomAD); In silico analysis indicates that this missense variant does not alter protein structure/function; Has not been previously published as pathogenic or benign to our knowledge

NM_001220.5(CAMK2B):c.1469C>G (p.Ser490Cys)

Gene: CAMK2B (calcium/calmodulin dependent protein kinase II beta; minus strand). Cytogenetic location: 7p13.
Variant type: single nucleotide variant.
Coding change: c.1469C>G on transcript NM_001220.5 (MANE Select); coding-DNA position 1469, C replaced by G.
Protein change: p.Ser490Cys; replaces serine 490 with cysteine.
Molecular consequence: missense variant. On other transcripts: intron variant (8).
Genome position (GRCh38, 1-based): chr7:44,226,644, G>C on the plus strand (C>G on the coding strand, the complement: CAMK2B is on the minus strand). VCF-style: chr7-44226644-G-C. GRCh37 (hg19) VCF-style: chr7-44266243-G-C.
Other names: c.947-5743C>G (NM_172084.3); c.1150+4362C>G (NM_172080.3); c.1036+4362C>G (NM_172083.3); c.1108+4362C>G (NM_172081.3); c.1153+4362C>G (NM_172079.3, NM_172082.3); c.1225+4362C>G (NM_001293170.2, NM_172078.3); short protein forms S490C.
Identifiers: ClinVar variation 3600603 (VCV003600603.1).
Genomic context (GRCh38, chr7:44,226,644, plus strand): 5'-TCGGCTTCTGGGGTCCCTGAGCCCCTCCTCACAGAGTTCAGGATGTCAGAGATCCTGGGG[G>C]CTGGGGCGGAACAGACGAGACGTGAACACAAGGCAGGCACGGGGGGCACGCAGGAGAGAA-3'
Protein context (NP_001211.3, residues 480-500): PALLGPLSSP[Ser490Cys]PRISDILNSV